The following is an entry in ClinVar:

ClinVar aggregate classification (germline): Pathogenic (1 of 4 stars; one submission).

Allele frequency attached by ClinVar (database versions not stated): TOPMed below 0.00001; gnomAD exomes 0.00001; ExAC 0.00002.
gnomAD v4.1: 3 of 1,604,392 alleles (0.00019%); highest among the groups gnomAD compares: Admixed American, 0.0052%; no homozygotes.

Submission:

Labcorp Genetics (formerly Invitae), Labcorp
Classification: Pathogenic. Last evaluated: 2021-11-27. Review status: criteria provided, single submitter. Criteria: Invitae Variant Classification Sherloc (09022015). Collection method: clinical testing. Allele origin: germline.
Comment: This sequence change creates a premature translational stop signal (p.Glu37*) in the OTUD6B gene. It is expected to result in an absent or disrupted protein product. Loss-of-function variants in OTUD6B are known to be pathogenic (PMID: 28343629). The frequency data for this variant in the population databases is considered unreliable, as metrics indicate poor data quality at this position in the gnomAD database. This variant has not been reported in the literature in individuals affected with OTUD6B-related conditions. For these reasons, this variant has been classified as Pathogenic.

Literature cited by the submitters: PubMed 28343629.

NM_016023.5(OTUD6B):c.19G>T (p.Glu7Ter)

Genes: OTUD6B (OTU deubiquitinase 6B; plus strand), LOC130000726 (ATAC-STARR-seq lymphoblastoid active region 27614; plus strand). Cytogenetic location: 8q21.3.
Variant type: single nucleotide variant.
Coding change: c.19G>T on transcript NM_016023.5 (MANE Select); coding-DNA position 19, G replaced by T.
Protein change: p.Glu7Ter; replaces glutamic acid 7 with a stop codon.
Molecular consequence: nonsense. On other transcripts: 5 prime UTR variant (1).
Genome position (GRCh38, 1-based): chr8:91,070,403, G>T. VCF-style: chr8-91070403-G-T. GRCh37 (hg19) VCF-style: chr8-92082631-G-T.
Other names: c.-425G>T (NM_001286745.3); short protein forms E7*.
Identifiers: ClinVar variation 1452195 (VCV001452195.8), dbSNP rs764539241, ClinGen allele CA4804659.